The following is an entry in ClinVar:

NM_181503.3(EXOSC8):c.101C>A (p.Thr34Asn)

Gene: EXOSC8 (exosome component 8; plus strand). Cytogenetic location: 13q13.3.
Variant type: single nucleotide variant.
Coding change: c.101C>A on transcript NM_181503.3 (MANE Select); coding-DNA position 101, C replaced by A.
Protein change: p.Thr34Asn; replaces threonine 34 with asparagine.
Molecular consequence: missense variant.
Genome position (GRCh38, 1-based): chr13:37,002,534, C>A. VCF-style: chr13-37002534-C-A. GRCh37 (hg19) VCF-style: chr13-37576671-C-A.
Other names: short protein forms T34N.
Identifiers: ClinVar variation 4805497 (VCV004805497.1).
Genomic context (GRCh38, chr13:37,002,534, plus strand): 5'-ACATATTTATTTAGAAAGAGAACTGCCGTCCTGATGGAAGAGAACTTGGTGAATTCAGAA[C>A]CACAACTGTCAACATCGGTAAGGATGTATTTTCCACTTTCAACTGTATGATATTCCCAAG-3'
Protein context (NP_852480.1, residues 24-44): PDGRELGEFR[Thr34Asn]TTVNIGSIST

ClinVar aggregate classification (germline): Uncertain significance (1 of 4 stars; one submission).

Submission:

Labcorp Genetics (formerly Invitae), Labcorp
Classification: Uncertain significance. Last evaluated: 2025-09-03. Review status: criteria provided, single submitter. Criteria: Invitae Variant Classification Sherloc (09022015). Collection method: clinical testing. Allele origin: germline.
Comment: This sequence change replaces threonine, which is neutral and polar, with asparagine, which is neutral and polar, at codon 34 of the EXOSC8 protein (p.Thr34Asn). This variant is not present in population databases (gnomAD no frequency). This variant has not been reported in the literature in individuals affected with EXOSC8-related conditions. Invitae Evidence Modeling of protein sequence and biophysical properties (such as structural, functional, and spatial information, amino acid conservation, physicochemical variation, residue mobility, and thermodynamic stability) indicates that this missense variant is not expected to disrupt EXOSC8 protein function with a negative predictive value of 80%. In summary, the available evidence is currently insufficient to determine the role of this variant in disease. Therefore, it has been classified as a Variant of Uncertain Significance.